The following is an entry in ClinVar:

NM_000059.4(BRCA2):c.8102C>G (p.Ser2701Cys)

Gene: BRCA2 (BRCA2 DNA repair associated; plus strand). Cytogenetic location: 13q13.1.
Variant type: single nucleotide variant.
Coding change: c.8102C>G on transcript NM_000059.4 (MANE Select); coding-DNA position 8102, C replaced by G.
Protein change: p.Ser2701Cys; replaces serine 2701 with cysteine.
Molecular consequence: missense variant.
Genome position (GRCh38, 1-based): chr13:32,363,304, C>G. VCF-style: chr13-32363304-C-G. GRCh37 (hg19) VCF-style: chr13-32937441-C-G.
Other names: short protein forms S2701C.
Identifiers: ClinVar variation 233156 (VCV000233156.19), dbSNP rs876660229, ClinGen allele CA10579767.
Genomic context (GRCh38, chr13:32,363,304, plus strand): 5'-CAGCTGCAAAAACACTTGTTCTCTGTGTTTCTGACATAATTTCATTGAGCGCAAATATAT[C>G]TGAAACTTCTAGCAATAAAACTAGTAGTGCAGATACCCAAAAAGTGGCCATTATTGAACT-3'
Protein context (NP_000050.3, residues 2691-2711): SDIISLSANI[Ser2701Cys]ETSSNKTSSA

ClinVar aggregate classification (germline): Conflicting classifications of pathogenicity. Review status: criteria provided, conflicting classifications (1 of 4 stars). 3 submissions from 3 submitters: Uncertain significance (2); Likely benign (1). Last evaluated 2025-05-19.

Conditions:
Hereditary cancer-predisposing syndrome. Also called: Neoplastic Syndromes, Hereditary; Tumor predisposition; Hereditary Cancer Syndrome; Hereditary neoplastic syndrome. Identifiers: Orphanet 140162, MedGen C0027672, MeSH D009386, MONDO:0015356.
Hereditary breast ovarian cancer syndrome. Also called: Hereditary breast and ovarian cancer syndrome; BRCA1- and BRCA2-Associated Hereditary Breast and Ovarian Cancer; Breast and ovarian cancer; Hereditary breast and/or ovarian cancer syndrome; Hereditary breast and ovarian cancer; Hereditary breast and ovarian cancer syndrome (HBOC). Identifiers: Orphanet 145, MedGen C0677776, MeSH D061325, MONDO:0003582. Disease mechanism: loss of function.

Allele frequency attached by ClinVar (database versions not stated): TOPMed below 0.00001; gnomAD 0.00001.
gnomAD v4.1: 1 of 1,614,032 alleles (0.000062%); highest among the groups gnomAD compares: African/African-American, 0.0013%; no homozygotes.

Submissions (3):

Ambry Genetics
Classification: Likely benign for Hereditary cancer-predisposing syndrome. Last evaluated: 2025-05-19. Review status: criteria provided, single submitter. Criteria: Ambry Variant Classification Scheme 2023. Collection method: clinical testing. Allele origin: germline.

Labcorp Genetics (formerly Invitae), Labcorp
Classification: Uncertain significance for Hereditary breast ovarian cancer syndrome. Last evaluated: 2024-04-01. Review status: criteria provided, single submitter. Criteria: Invitae Variant Classification Sherloc (09022015). Collection method: clinical testing. Allele origin: germline.
Comment: This sequence change replaces serine, which is neutral and polar, with cysteine, which is neutral and slightly polar, at codon 2701 of the BRCA2 protein (p.Ser2701Cys). This variant is not present in population databases (gnomAD no frequency). This missense change has been observed in individual(s) with breast cancer (PMID: 36315513). ClinVar contains an entry for this variant (Variation ID: 233156). Advanced modeling of protein sequence and biophysical properties (such as structural, functional, and spatial information, amino acid conservation, physicochemical variation, residue mobility, and thermodynamic stability) performed at Invitae indicates that this missense variant is not expected to disrupt BRCA2 protein function with a negative predictive value of 95%. In summary, the available evidence is currently insufficient to determine the role of this variant in disease. Therefore, it has been classified as a Variant of Uncertain Significance.

Quest Diagnostics Nichols Institute San Juan Capistrano
Classification: Uncertain significance. Last evaluated: 2020-09-14. Review status: criteria provided, single submitter. Criteria: Quest Diagnostics criteria. Collection method: clinical testing. Allele origin: unknown.

Literature cited by the submitters: PubMed 36315513 (cited by Labcorp Genetics (formerly Invitae), Labcorp).